The following is an entry in ClinVar:

ClinVar aggregate classification (germline): Pathogenic (1 of 4 stars; one submission).

Conditions:
Autosomal dominant nonsyndromic hearing loss 1. Also called: DEAFNESS, AUTOSOMAL DOMINANT 1, WITH OR WITHOUT THROMBOCYTOPENIA; KONIGSMARK SYNDROME. Identifiers: Orphanet 90635, MedGen C1852282, MONDO:0007424, OMIM 124900.
Progressive microcephaly-seizures-cortical blindness-developmental delay syndrome. Also called: Seizures, cortical blindness, and microcephaly syndrome. Identifiers: Orphanet 477814, MedGen C5567650, MONDO:0014714, OMIM 616632.

Submission:

Labcorp Genetics (formerly Invitae), Labcorp
Classification: Pathogenic for Progressive microcephaly-seizures-cortical blindness-developmental delay syndrome; Autosomal dominant nonsyndromic hearing loss 1. Last evaluated: 2022-07-19. Review status: criteria provided, single submitter. Criteria: Invitae Variant Classification Sherloc (09022015). Collection method: clinical testing. Allele origin: germline.
Comment: For these reasons, this variant has been classified as Pathogenic. ClinVar contains an entry for this variant (Variation ID: 1360681). This variant has not been reported in the literature in individuals affected with DIAPH1-related conditions. This variant is not present in population databases (gnomAD no frequency). This sequence change creates a premature translational stop signal (p.Pro701Serfs*74) in the DIAPH1 gene. It is expected to result in an absent or disrupted protein product. Loss-of-function variants in DIAPH1 are known to be pathogenic (PMID: 24781755, 26463574).

Literature cited by the submitters: PubMed 24781755; PubMed 26463574.

NM_005219.5(DIAPH1):c.2100dup (p.Pro701fs)

Gene: DIAPH1 (diaphanous related formin 1; minus strand). Cytogenetic location: 5q31.3.
Variant type: Duplication.
Coding change: c.2100dup on transcript NM_005219.5 (MANE Select); coding-DNA position 2100, one base duplicated (T; older notation c.2100dupT).
Protein change: p.Pro701fs; shifts the reading frame from proline 701.
Molecular consequence: frameshift variant.
Genome position (GRCh38, 1-based): chr5:141,573,750, A duplicated on the plus strand (T on the coding strand, the reverse complement: DIAPH1 is on the minus strand); the first of 2 consecutive A bases (chr5:141,573,750-141,573,751); duplicating either gives the same sequence. VCF-style (leftmost placement, unchanged base first): chr5-141573749-G-GA. GRCh37 (hg19) VCF-style: chr5-140953316-G-GA.
Other names: c.2073dup, p.Pro692fs (NM_001079812.3); c.2100dup, p.Pro701fs (NM_001314007.2); short protein forms P701fs, P692fs.
Identifiers: ClinVar variation 1360681 (VCV001360681.9), dbSNP rs2154596284, ClinGen allele CA2573139308.